The following is an entry in ClinVar:

ClinVar aggregate classification (germline): Uncertain significance. Review status: criteria provided, multiple submitters, no conflicts (2 of 4 stars). 6 submissions from 6 submitters: Uncertain significance (6). Last evaluated 2025-12-12.

Conditions:
Familial cancer of breast. Also called: Hereditary breast cancer; BREAST CANCER, FAMILIAL; hereditary breast carcinoma. Identifiers: Orphanet 227535, MedGen C0346153, MONDO:0016419, OMIM 114480. Disease mechanism: loss of function.
Hereditary cancer-predisposing syndrome. Also called: Hereditary neoplastic syndrome; Tumor predisposition; Neoplastic Syndromes, Hereditary; Hereditary Cancer Syndrome. Identifiers: Orphanet 140162, MedGen C0027672, MeSH D009386, MONDO:0015356.

gnomAD v4.1: 19 of 1,603,354 alleles (0.0012%); highest among the groups gnomAD compares: Non-Finnish European, 0.0016%; no homozygotes.

Submissions (6):

Labcorp Genetics (formerly Invitae), Labcorp
Classification: Uncertain significance for Familial cancer of breast. Last evaluated: 2025-12-12. Review status: criteria provided, single submitter. Criteria: Invitae Variant Classification Sherloc (09022015). Collection method: clinical testing. Allele origin: germline.
Comment: This sequence change replaces cysteine, which is neutral and slightly polar, with serine, which is neutral and polar, at codon 78 of the BARD1 protein (p.Cys78Ser). This variant is not present in population databases (gnomAD no frequency). This variant has not been reported in the literature in individuals affected with BARD1-related conditions. ClinVar contains an entry for this variant (Variation ID: 421438). An algorithm developed to predict the effect of missense changes on protein structure and function (PolyPhen-2) suggests that this variant is likely to be tolerated. Experimental studies have shown that this missense change does not substantially affect BARD1 function (PMID: 29367421). In summary, the available evidence is currently insufficient to determine the role of this variant in disease. Therefore, it has been classified as a Variant of Uncertain Significance.

Color Diagnostics, LLC DBA Color Health
Classification: Uncertain significance for Hereditary cancer-predisposing syndrome. Last evaluated: 2025-06-04. Review status: criteria provided, single submitter. Criteria: ACMG Guidelines, 2015. Collection method: clinical testing. Allele origin: germline.
Comment: This missense variant replaces cysteine with serine at codon 78 of the BARD1 protein. Computational prediction suggests that this variant may not impact protein structure and function. Experimental studies have shown that this variant did not impact function (PMID: 29367421). This variant has not been reported in individuals affected with BARD1-related disorders in the literature. This variant has not been identified in the general population by the Genome Aggregation Database (gnomAD). The available evidence is insufficient to determine the role of this variant in disease conclusively. Therefore, this variant is classified as a Variant of Uncertain Significance.

Ambry Genetics
Classification: Uncertain significance for Hereditary cancer-predisposing syndrome. Last evaluated: 2024-06-05. Review status: criteria provided, single submitter. Criteria: Ambry Variant Classification Scheme 2023. Collection method: clinical testing. Allele origin: germline.
Comment: The p.C78S variant (also known as c.233G>C), located in coding exon 3 of the BARD1 gene, results from a G to C substitution at nucleotide position 233. The cysteine at codon 78 is replaced by serine, an amino acid with dissimilar properties. This variant is located in the BARD1 RING domain but does not coordinate zinc binding. In one study, p.C78S demonstrated ability to ubiquitylate H2A on nucleosomes similar to wild type BARD1, a function necessary for homologous recombination (Stewart MD et al. Proc. Natl. Acad. Sci. U.S.A., 2018 02;115:1316-1321). This amino acid position is well conserved in available vertebrate species. In addition, this alteration is predicted to be tolerated by in silico analysis. Since supporting evidence is limited at this time, the clinical significance of this alteration remains unclear.

Baylor Genetics
Classification: Uncertain significance for Familial cancer of breast. Last evaluated: 2023-06-19. Review status: criteria provided, single submitter. Criteria: ACMG Guidelines, 2015. Collection method: clinical testing. Allele origin: unknown.

Women's Health and Genetics/Laboratory Corporation of America, LabCorp
Classification: Uncertain significance. Last evaluated: 2019-11-26. Review status: criteria provided, single submitter. Criteria: LabCorp Variant Classification Summary - May 2015. Collection method: clinical testing. Allele origin: germline.
Comment: Variant summary: BARD1 c.233G>C (p.Cys78Ser) results in a non-conservative amino acid change located in the Zinc finger, RING-type domain of the encoded protein sequence. Three of five in-silico tools predict a benign effect of the variant on protein function. The variant was absent in 243944 control chromosomes. The available data on variant occurrences in the general population are insufficient to allow any conclusion about variant significance. To our knowledge, no occurrence of c.233G>C in individuals affected with Breast Cancer has been reported. At least one publication reports experimental evidence evaluating an impact on protein function. These results showed no damaging effect of this variant (Stewart_2018). Three clinical diagnostic laboratories have submitted clinical-significance assessments for this variant to ClinVar after 2014 without evidence for independent evaluation. All laboratories classified the variant as uncertain significance. Based on the evidence outlined above, the variant was classified as uncertain significance.

GeneDx
Classification: Uncertain significance. Last evaluated: 2016-06-14. Review status: criteria provided, single submitter. Criteria: GeneDx Variant Classification (06012015). Collection method: clinical testing. Allele origin: germline. Affected: yes.
Comment: This variant is denoted BARD1 c.233G>C at the cDNA level, p.Cys78Ser (C78S) at the protein level, and results in the change of a Cysteine to a Serine (TGC>TCC). This variant has not, to our knowledge, been published in the literature as pathogenic or benign. BARD1 Cys78Ser was not observed in approximately 6,500 individuals of European and African American ancestry in the NHLBI Exome Sequencing Project, suggesting it is not a common benign variant in these populations. Since Cysteine and Serine differ in polarity, charge, size or other properties, this is considered a non-conservative amino acid substitution. BARD1 Cys78Ser occurs at a position that is conserved in mammals and is located in the RING-type Zinc finger domain as well as a region known to interact with BRCA1 (UniProt). In silico analyses are inconsistent regarding the effect this variant may have on protein structure and function. Based on currently available evidence, it is unclear whether BARD1 Cys78Ser is a pathogenic or benign variant. We consider it to be a variant of uncertain significance.

Literature cited by the submitters: PubMed 29367421 (cited by 4 submitters).

NM_000465.4(BARD1):c.233G>C (p.Cys78Ser)

Gene: BARD1 (BRCA1 associated RING domain 1; minus strand). Cytogenetic location: 2q35.
Variant type: single nucleotide variant.
Coding change: c.233G>C on transcript NM_000465.4 (MANE Select); coding-DNA position 233, G replaced by C.
Protein change: p.Cys78Ser; replaces cysteine 78 with serine.
Molecular consequence: missense variant. On other transcripts: non-coding transcript variant (1), intron variant (2).
Genome position (GRCh38, 1-based): chr2:214,792,428, C>G on the plus strand (G>C on the coding strand, the complement: BARD1 is on the minus strand). VCF-style: chr2-214792428-C-G. GRCh37 (hg19) VCF-style: chr2-215657152-C-G.
Other names: c.176G>C, p.Cys59Ser (NM_001282543.2); c.233G>C, p.Cys78Ser (NM_001282549.2); c.158+16984G>C (NM_001282548.2); c.215+4633G>C (NM_001282545.2); short protein forms C78S, C59S.
Identifiers: ClinVar variation 421438 (VCV000421438.22), dbSNP rs199780731, ClinGen allele CA16617455.